The following is an entry in ClinVar:

NM_152703.5(SAMD9L):c.1504T>G (p.Ser502Ala)

Gene: SAMD9L (sterile alpha motif domain containing 9 like; minus strand). Cytogenetic location: 7q21.2.
Variant type: single nucleotide variant.
Coding change: c.1504T>G on transcript NM_152703.5 (MANE Select); coding-DNA position 1504, T replaced by G.
Protein change: p.Ser502Ala; replaces serine 502 with alanine.
Molecular consequence: missense variant.
Genome position (GRCh38, 1-based): chr7:93,134,468, A>C on the plus strand (T>G on the coding strand, the complement: SAMD9L is on the minus strand). VCF-style: chr7-93134468-A-C. GRCh37 (hg19) VCF-style: chr7-92763781-A-C.
Other names: c.1504T>G, p.Ser502Ala (NM_001303496.3, NM_001303497.3, NM_001303498.3 and 5 more transcripts); short protein forms S502A.
Identifiers: ClinVar variation 3437214 (VCV003437214.1).

ClinVar aggregate classification (germline): Uncertain significance (1 of 4 stars; one submission).

Conditions:
Inborn genetic diseases. Identifiers: MedGen C0950123, MeSH D030342.

Submission:

Ambry Genetics
Classification: Uncertain significance for Inborn genetic diseases. Last evaluated: 2024-12-02. Review status: criteria provided, single submitter. Criteria: Ambry Variant Classification Scheme 2023. Collection method: clinical testing. Allele origin: germline.
Comment: The p.S502A variant (also known as c.1504T>G), located in coding exon 1 of the SAMD9L gene, results from a T to G substitution at nucleotide position 1504. The serine at codon 502 is replaced by alanine, an amino acid with similar properties. This amino acid position is conserved. In addition, this alteration is predicted to be tolerated by in silico analysis. Based on the available evidence, the clinical significance of this variant remains unclear.